The following is an entry in ClinVar:

ClinVar aggregate classification (germline): Uncertain significance. Review status: criteria provided, multiple submitters, no conflicts (2 of 4 stars). 5 submissions from 5 submitters: Uncertain significance (5). Last evaluated 2025-12-22.

Conditions:
autosomal recessive Rothmund-Thomson syndrome.
Baller-Gerold syndrome (BGS). Also called: CRANIOSYNOSTOSIS WITH RADIAL DEFECTS. Identifiers: Orphanet 1225, MedGen C0265308, MONDO:0009039, OMIM 218600.
Rapadilino syndrome. Identifiers: Orphanet 3021, MedGen C1849453, MONDO:0009955, OMIM 266280.
Rothmund-Thomson syndrome type 2 (RTS2). Identifiers: Orphanet 221016, MedGen C5203410, MONDO:0016369, OMIM 268400.

Allele frequency attached by ClinVar (database versions not stated): gnomAD exomes 0.00008; TOPMed 0.00010; ExAC 0.00012.
gnomAD v4.1: 179 of 1,609,720 alleles (0.011%); highest among the groups gnomAD compares: Non-Finnish European, 0.015%; no homozygotes.

Submissions (5):

Labcorp Genetics (formerly Invitae), Labcorp
Classification: Uncertain significance for Baller-Gerold syndrome. Last evaluated: 2025-12-22. Review status: criteria provided, single submitter. Criteria: Invitae Variant Classification Sherloc (09022015). Collection method: clinical testing. Allele origin: germline.
Comment: This sequence change replaces glutamic acid, which is acidic and polar, with aspartic acid, which is acidic and polar, at codon 742 of the RECQL4 protein (p.Glu742Asp). This variant is present in population databases (rs200002105, gnomAD 0.01%). This variant has not been reported in the literature in individuals affected with RECQL4-related conditions. ClinVar contains an entry for this variant (Variation ID: 406907). Invitae Evidence Modeling of protein sequence and biophysical properties (such as structural, functional, and spatial information, amino acid conservation, physicochemical variation, residue mobility, and thermodynamic stability) indicates that this missense variant is not expected to disrupt RECQL4 protein function with a negative predictive value of 80%. In summary, the available evidence is currently insufficient to determine the role of this variant in disease. Therefore, it has been classified as a Variant of Uncertain Significance.

St. Jude Molecular Pathology, St. Jude Children's Research Hospital
Classification: Uncertain significance for Rothmund-Thomson syndrome type 2. Last evaluated: 2023-12-15. Review status: criteria provided, single submitter. Criteria: St. Jude Assertion Criteria 2020. Collection method: clinical testing. Allele origin: germline.
Comment: The RECQL4 c.2226G>T (p.Glu742Asp) missense change has a maximum subpopulation frequency of 0.01% in gnomAD v2.1.1. In silico tools predict a benign effect on protein function, but to our knowledge this prediction has not been confirmed by functional studies. To our knowledge, this variant has not been reported in individuals with RECQL4-associated conditions. In summary, the evidence currently available is insufficient to determine the clinical significance of this variant. It has therefore been classified as of uncertain significance.

Blueprint Genetics
Classification: Uncertain significance. Last evaluated: 2023-05-10. Review status: criteria provided, single submitter. Criteria: ACMG Guidelines, 2015. Collection method: clinical testing. Allele origin: germline.

Fulgent Genetics
Classification: Uncertain significance for Baller-Gerold syndrome; Rapadilino syndrome; Rothmund-Thomson syndrome type 2. Last evaluated: 2022-02-03. Review status: criteria provided, single submitter. Criteria: ACMG Guidelines, 2015. Collection method: clinical testing. Allele origin: unknown.

Institute for Clinical Genetics, University Hospital TU Dresden, University Hospital TU Dresden
Classification: Uncertain significance. Last evaluated: 2021-11-03. Review status: criteria provided, single submitter. Criteria: ACMG Guidelines, 2015. Collection method: clinical testing. Allele origin: germline.

NM_004260.4(RECQL4):c.2226G>T (p.Glu742Asp)

Gene: RECQL4 (RecQ like helicase 4; minus strand). Cytogenetic location: 8q24.3.
Variant type: single nucleotide variant.
Coding change: c.2226G>T on transcript NM_004260.4 (MANE Select); coding-DNA position 2226, G replaced by T.
Protein change: p.Glu742Asp; replaces glutamic acid 742 with aspartic acid.
Molecular consequence: missense variant.
Genome position (GRCh38, 1-based): chr8:144,513,455, C>A on the plus strand (G>T on the coding strand, the complement: RECQL4 is on the minus strand). VCF-style: chr8-144513455-C-A. GRCh37 (hg19) VCF-style: chr8-145738839-C-A.
Other names: short protein forms E742D.
Identifiers: ClinVar variation 406907 (VCV000406907.15), dbSNP rs200002105, ClinGen allele CA4948376.